The following is an entry in ClinVar:

ClinVar aggregate classification (germline): Likely benign (1 of 4 stars; one submission).

Allele frequency attached by ClinVar (database versions not stated): TOPMed 0.00002; gnomAD 0.00009; ExAC 0.00031; 1000 Genomes Project 0.00080; 1000 Genomes Project 30x 0.00125.
gnomAD v4.1: 255 of 1,612,506 alleles (0.016%); highest among the groups gnomAD compares: South Asian, 0.21%; 2 homozygotes.

Submission:

CeGaT Center for Human Genetics Tuebingen
Classification: Likely benign. Last evaluated: 2025-12-01. Review status: criteria provided, single submitter. Criteria: CeGaT Center For Human Genetics Tuebingen Variant Classification Criteria Version 2. Collection method: clinical testing. Allele origin: germline. Affected: yes. Observed: 12 variant alleles.
Comment: TSC2: BS1

NM_000548.5(TSC2):c.5260-39G>A

Gene: TSC2 (TSC complex subunit 2; plus strand). Cytogenetic location: 16p13.3.
Variant type: single nucleotide variant.
Coding change: c.5260-39G>A on transcript NM_000548.5 (MANE Select); 39 bases into the intron before coding-DNA position 5260, G replaced by A.
Molecular consequence: intron variant.
Genome position (GRCh38, 1-based): chr16:2,088,407, G>A. VCF-style: chr16-2088407-G-A. GRCh37 (hg19) VCF-style: chr16-2138408-G-A.
Other names: c.3718-39G>A (NM_001406693.1, NM_001406692.1, NM_001406694.1); c.5152-39G>A (NM_001406667.1); c.5149-39G>A (NM_001406668.1); c.4660-39G>A (NM_001406680.1); c.4591-39G>A (NM_001406683.1, NM_001406682.1); c.4459-39G>A (NM_001406687.1, NM_001406688.1); c.3847-39G>A (NM_001406689.1); c.3787-39G>A (NM_001406690.1); and 27 more.
Identifiers: ClinVar variation 2570924 (VCV002570924.27), dbSNP rs532413089, ClinGen allele CA054767.
Genomic context (GRCh38, chr16:2,088,407, plus strand): 5'-CAGCGGGGTGTGCTGGCTGCCCAAGCTGTGGGGCGGGTGTGTGGGCAGAGCGGTTGCCAC[G>A]CCTCCCAGACTTACTGCCCAAGCCGCCTCTGCCTTCAGATCTGCGAGGAAGCCGCCTACT-3'